The following is an entry in ClinVar:

NM_012200.4(B3GAT3):c.876G>C (p.Lys292Asn)

Gene: B3GAT3 (beta-1,3-glucuronyltransferase 3; minus strand). Cytogenetic location: 11q12.3.
Variant type: single nucleotide variant.
Coding change: c.876G>C on transcript NM_012200.4 (MANE Select); coding-DNA position 876, G replaced by C.
Protein change: p.Lys292Asn; replaces lysine 292 with asparagine.
Molecular consequence: missense variant. On other transcripts: non-coding transcript variant (1).
Genome position (GRCh38, 1-based): chr11:62,616,539, C>G on the plus strand (G>C on the coding strand, the complement: B3GAT3 is on the minus strand). VCF-style: chr11-62616539-C-G. GRCh37 (hg19) VCF-style: chr11-62384011-C-G.
Other names: c.855G>C, p.Lys285Asn (NM_001288721.2); c.876G>C, p.Lys292Asn (NM_001288722.2, NM_001288723.2); short protein forms K285N, K292N.
Identifiers: ClinVar variation 2052588 (VCV002052588.1), dbSNP rs145458624, ClinGen allele CA6049994.

ClinVar aggregate classification (germline): Uncertain significance (1 of 4 stars; one submission).

Conditions:
Larsen-like syndrome, B3GAT3 type. Also called: Multiple joint dislocations, short stature, craniofacial dysmorphism, with or without congenital heart defects; MULTIPLE JOINT DISLOCATIONS, SHORT STATURE, AND CRANIOFACIAL DYSMORPHISM WITH OR WITHOUT CONGENITAL HEART DEFECTS. Identifiers: Orphanet 284139, MedGen CN034159, MONDO:0009511, OMIM 245600.

Allele frequency attached by ClinVar (database versions not stated): ESP Exome Variant Server 0.00038; gnomAD exomes 0.00001; ExAC 0.00006; TOPMed 0.00016; gnomAD 0.00017.
gnomAD v4.1: 43 of 1,614,124 alleles (0.0027%); highest among the groups gnomAD compares: African/African-American, 0.051%; no homozygotes.

Submission:

Labcorp Genetics (formerly Invitae), Labcorp
Classification: Uncertain significance for Larsen-like syndrome, B3GAT3 type. Last evaluated: 2022-02-22. Review status: criteria provided, single submitter. Criteria: Invitae Variant Classification Sherloc (09022015). Collection method: clinical testing. Allele origin: germline.
Comment: This sequence change replaces lysine, which is basic and polar, with asparagine, which is neutral and polar, at codon 292 of the B3GAT3 protein (p.Lys292Asn). This variant is present in population databases (rs145458624, gnomAD 0.07%). This variant has not been reported in the literature in individuals affected with B3GAT3-related conditions. Algorithms developed to predict the effect of missense changes on protein structure and function (SIFT, PolyPhen-2, Align-GVGD) all suggest that this variant is likely to be tolerated. In summary, the available evidence is currently insufficient to determine the role of this variant in disease. Therefore, it has been classified as a Variant of Uncertain Significance.